The following is an entry in ClinVar:

ClinVar aggregate classification (germline): Uncertain significance. Review status: criteria provided, multiple submitters, no conflicts (2 of 4 stars). 10 submissions from 6 submitters: Uncertain significance (10). Last evaluated 2025-03-11.

Conditions:
Dystonia 9 (DYT9). Also called: CHOREOATHETOSIS, KINESIGENIC, WITH EPISODIC ATAXIA AND SPASTICITY. Identifiers: Orphanet 53583, MedGen C1832855, MONDO:0010983, OMIM 601042.
Hereditary cryohydrocytosis with reduced stomatin. Also called: GLUT1 DEFICIENCY SYNDROME WITH PSEUDOHYPERKALEMIA AND HEMOLYSIS; Stomatin-deficient cryohydrocytosis with neurologic defects. Identifiers: Orphanet 168577, MedGen C1837206, MONDO:0012143, OMIM 608885.
Childhood onset GLUT1 deficiency syndrome 2. Also called: PAROXYSMAL EXERCISE-INDUCED DYSKINESIA WITH OR WITHOUT EPILEPSY AND/OR HEMOLYTIC ANEMIA; PAROXYSMAL EXERTION-INDUCED DYSTONIA WITH OR WITHOUT EPILEPSY AND/OR HEMOLYTIC ANEMIA; PED WITH OR WITHOUT EPILEPSY AND/OR HEMOLYTIC ANEMIA; Paroxysmal exercise-induced dystonia; GLUT1 deficiency syndrome 2; PxMD-SLC2A1. Identifiers: Orphanet 98811, MedGen C1842534, MONDO:0012805, OMIM 612126.
Encephalopathy due to GLUT1 deficiency. Also called: De Vivo disease; GLUT1 deficiency syndrome 1; Glucose transporter protein syndrome; GLUT1 deficiency syndrome 1, infantile onset, severe; GLUCOSE TRANSPORT DEFECT, BLOOD-BRAIN BARRIER; Classic Glucose Transporter Type 1 Deficiency Syndrome. Identifiers: Orphanet 71277, MedGen C4551966, MONDO:0011724, OMIM 606777.
GLUT1 deficiency syndrome 1, autosomal recessive. Identifiers: MedGen C3149117.
Epilepsy, idiopathic generalized, susceptibility to, 12 (EIG12). Identifiers: MedGen C3553859, MONDO:0013919, OMIM 614847.

Allele frequency attached by ClinVar (database versions not stated): ExAC 0.00001; gnomAD 0.00001; gnomAD exomes 0.00001.
gnomAD v4.1: 10 of 1,613,874 alleles (0.00062%); highest among the groups gnomAD compares: South Asian, 0.0033%; no homozygotes.

Submissions (10):

Labcorp Genetics (formerly Invitae), Labcorp
Classification: Uncertain significance for GLUT1 deficiency syndrome 1, autosomal recessive. Last evaluated: 2025-03-11. Review status: criteria provided, single submitter. Criteria: Invitae Variant Classification Sherloc (09022015). Collection method: clinical testing. Allele origin: germline.
Comment: This sequence change replaces threonine, which is neutral and polar, with methionine, which is neutral and non-polar, at codon 318 of the SLC2A1 protein (p.Thr318Met). This variant is present in population databases (rs746091725, gnomAD 0.007%). This variant has not been reported in the literature in individuals affected with SLC2A1-related conditions. ClinVar contains an entry for this variant (Variation ID: 444164). Invitae Evidence Modeling incorporating data from in vitro experimental studies (internal data) did not meet the statistical confidence thresholds required to predict the impact of this variant on SLC2A1 function. In summary, the available evidence is currently insufficient to determine the role of this variant in disease. Therefore, it has been classified as a Variant of Uncertain Significance.

Revvity Omics, Revvity
Classification: Uncertain significance. Last evaluated: 2024-08-15. Review status: criteria provided, single submitter. Criteria: ACMG Guidelines, 2015. Collection method: clinical testing. Allele origin: germline.

GeneDx
Classification: Uncertain significance. Last evaluated: 2023-10-23. Review status: criteria provided, single submitter. Criteria: GeneDx Variant Classification Process June 2021. Collection method: clinical testing. Allele origin: germline. Affected: yes.
Comment: In silico analysis supports that this missense variant has a deleterious effect on protein structure/function; Has not been previously published as pathogenic or benign to our knowledge

Genome-Nilou Lab
Classification: Uncertain significance for Epilepsy, idiopathic generalized, susceptibility to, 12. Last evaluated: 2023-04-11. Review status: criteria provided, single submitter. Criteria: ACMG Guidelines, 2015. Collection method: clinical testing. Allele origin: germline. Affected: no.

Genome-Nilou Lab
Classification: Uncertain significance for Dystonia 9. Last evaluated: 2023-04-11. Review status: criteria provided, single submitter. Criteria: ACMG Guidelines, 2015. Collection method: clinical testing. Allele origin: germline. Affected: no.

Genome-Nilou Lab
Classification: Uncertain significance for Encephalopathy due to GLUT1 deficiency. Last evaluated: 2023-04-11. Review status: criteria provided, single submitter. Criteria: ACMG Guidelines, 2015. Collection method: clinical testing. Allele origin: germline. Affected: no.

Genome-Nilou Lab
Classification: Uncertain significance for Childhood onset GLUT1 deficiency syndrome 2. Last evaluated: 2023-04-11. Review status: criteria provided, single submitter. Criteria: ACMG Guidelines, 2015. Collection method: clinical testing. Allele origin: germline. Affected: no.

Genome-Nilou Lab
Classification: Uncertain significance for Hereditary cryohydrocytosis with reduced stomatin. Last evaluated: 2023-04-11. Review status: criteria provided, single submitter. Criteria: ACMG Guidelines, 2015. Collection method: clinical testing. Allele origin: germline. Affected: no.

Blueprint Genetics
Classification: Uncertain significance. Last evaluated: 2020-05-25. Review status: criteria provided, single submitter. Criteria: ACMG Guidelines, 2015. Collection method: clinical testing. Allele origin: germline.

CeGaT Center for Human Genetics Tuebingen
Classification: Uncertain significance. Last evaluated: 2017-05-01. Review status: criteria provided, single submitter. Criteria: CeGaT Center For Human Genetics Tuebingen Variant Classification Criteria Version 2. Collection method: clinical testing. Allele origin: germline. Affected: yes. Observed: 1 variant allele.

NM_006516.4(SLC2A1):c.953C>T (p.Thr318Met)

Gene: SLC2A1 (solute carrier family 2 member 1; minus strand). Cytogenetic location: 1p34.2.
Variant type: single nucleotide variant.
Coding change: c.953C>T on transcript NM_006516.4 (MANE Select); coding-DNA position 953, C replaced by T.
Protein change: p.Thr318Met; replaces threonine 318 with methionine.
Molecular consequence: missense variant.
Genome position (GRCh38, 1-based): chr1:42,929,229, G>A on the plus strand (C>T on the coding strand, the complement: SLC2A1 is on the minus strand). VCF-style: chr1-42929229-G-A. GRCh37 (hg19) VCF-style: chr1-43394900-G-A.
Other names: c.953C>T (NM_006516.3); short protein forms T318M.
Identifiers: ClinVar variation 444164 (VCV000444164.57), dbSNP rs746091725, ClinGen allele CA803400.